The following is an entry in ClinVar:

ClinVar aggregate classification (germline): Uncertain significance (1 of 4 stars; one submission).

Conditions:
Maple syrup urine disease (MSUD). Identifiers: Orphanet 511, MedGen C0024776, MeSH D008375, MONDO:0009563. Disease mechanism: loss of function.

Allele frequency attached by ClinVar (database versions not stated): TOPMed 0.00003.
gnomAD v4.1: 3 of 1,613,918 alleles (0.00019%); highest among the groups gnomAD compares: Admixed American, 0.0017%; no homozygotes.

Submission:

Labcorp Genetics (formerly Invitae), Labcorp
Classification: Uncertain significance for Maple syrup urine disease. Last evaluated: 2025-10-01. Review status: criteria provided, single submitter. Criteria: Invitae Variant Classification Sherloc (09022015). Collection method: clinical testing. Allele origin: germline.
Comment: This sequence change replaces glutamic acid, which is acidic and polar, with alanine, which is neutral and non-polar, at codon 160 of the DBT protein (p.Glu160Ala). This variant is present in population databases (no rsID available, gnomAD 0.003%). This variant has not been reported in the literature in individuals affected with DBT-related conditions. ClinVar contains an entry for this variant (Variation ID: 1979477). Invitae Evidence Modeling of protein sequence and biophysical properties (such as structural, functional, and spatial information, amino acid conservation, physicochemical variation, residue mobility, and thermodynamic stability) has been performed for this missense variant. However, the output from this modeling did not meet the statistical confidence thresholds required to predict the impact of this variant on DBT protein function. In summary, the available evidence is currently insufficient to determine the role of this variant in disease. Therefore, it has been classified as a Variant of Uncertain Significance.

NM_001918.5(DBT):c.479A>C (p.Glu160Ala)

Gene: DBT (dihydrolipoamide branched chain transacylase E2; minus strand). Cytogenetic location: 1p21.2.
Variant type: single nucleotide variant.
Coding change: c.479A>C on transcript NM_001918.5 (MANE Select); coding-DNA position 479, A replaced by C.
Protein change: p.Glu160Ala; replaces glutamic acid 160 with alanine.
Molecular consequence: missense variant. On other transcripts: 5 prime UTR variant (2), non-coding transcript variant (4).
Genome position (GRCh38, 1-based): chr1:100,218,702, T>G on the plus strand (A>C on the coding strand, the complement: DBT is on the minus strand). VCF-style: chr1-100218702-T-G. GRCh37 (hg19) VCF-style: chr1-100684258-T-G.
Other names: c.-65A>C (NM_001399969.1, NM_001399972.1); short protein forms E160A.
Identifiers: ClinVar variation 1979477 (VCV001979477.2), dbSNP rs995821115, ClinGen allele CA27592008.